The following is an entry in ClinVar:

ClinVar aggregate classification (germline): Uncertain significance (1 of 4 stars; one submission).

Conditions:
Hypertrophic cardiomyopathy. Also called: HYPERTROPHIC MYOCARDIOPATHY. Identifiers: Orphanet 217569, MedGen C0007194, MeSH D002312, MONDO:0005045, HP:0001639.

Submission:

Labcorp Genetics (formerly Invitae), Labcorp
Classification: Uncertain significance for Hypertrophic cardiomyopathy. Last evaluated: 2025-02-12. Review status: criteria provided, single submitter. Criteria: Invitae Variant Classification Sherloc (09022015). Collection method: clinical testing. Allele origin: germline.
Comment: This sequence change replaces glycine, which is neutral and non-polar, with arginine, which is basic and polar, at codon 1511 of the MYOM1 protein (p.Gly1511Arg). This variant is not present in population databases (gnomAD no frequency). This variant has not been reported in the literature in individuals affected with MYOM1-related conditions. Invitae Evidence Modeling of protein sequence and biophysical properties (such as structural, functional, and spatial information, amino acid conservation, physicochemical variation, residue mobility, and thermodynamic stability) indicates that this missense variant is not expected to disrupt MYOM1 protein function with a negative predictive value of 80%. In summary, the available evidence is currently insufficient to determine the role of this variant in disease. Therefore, it has been classified as a Variant of Uncertain Significance.

NM_003803.4(MYOM1):c.4531G>A (p.Gly1511Arg)

Gene: MYOM1 (myomesin 1; minus strand). Cytogenetic location: 18p11.31.
Variant type: single nucleotide variant.
Coding change: c.4531G>A on transcript NM_003803.4 (MANE Select); coding-DNA position 4531, G replaced by A.
Protein change: p.Gly1511Arg; replaces glycine 1511 with arginine.
Molecular consequence: missense variant.
Genome position (GRCh38, 1-based): chr18:3,079,296, C>T on the plus strand (G>A on the coding strand, the complement: MYOM1 is on the minus strand). VCF-style: chr18-3079296-C-T. GRCh37 (hg19) VCF-style: chr18-3079294-C-T.
Other names: c.4243G>A, p.Gly1415Arg (NM_019856.2); short protein forms G1415R, G1511R.
Identifiers: ClinVar variation 4704313 (VCV004704313.1).